The following is an entry in ClinVar:

ClinVar aggregate classification (germline): Benign (1 of 4 stars; one submission).

gnomAD v4.1: 462,562 of 710,360 alleles (65%); highest among the groups gnomAD compares: African/African-American, 84%; 153,012 homozygotes.

Submissions (2):

Unidad de Genómica Garrahan, Hospital de Pediatría Garrahan
Classification: Benign. Last evaluated: 2024-07-31. Review status: criteria provided, single submitter. Criteria: ACMG Guidelines, 2015. Collection method: clinical testing. Allele origin: germline. Affected: no. Observed: 20 variant alleles.
Comment: This variant is classified as Benign based on local population frequency. This variant was detected in 22% of patients studied in a panel designed for Epileptic and Developmental Encephalopathy, Progressive Myoclonus Epilepsy and Abnormal Movements and Neurodegeneration with brain iron accumulation. Number of patients: 20. Only high quality variants are reported.

Dr. Peter K. Rogan Lab, Western University
No classification provided (evidence only). Condition: Hepatocellular carcinoma. Review status: no classification provided. Collection method: in vitro. Allele origin: not applicable. Functional consequence: retained intron. Not counted in ClinVar's aggregate classification.

NM_001365536.1(SCN9A):c.377+93G>T

Gene: SCN9A (sodium voltage-gated channel alpha subunit 9; minus strand). Cytogenetic location: 2q24.3.
Variant type: single nucleotide variant.
Coding change: c.377+93G>T on transcript NM_001365536.1 (MANE Select); 93 bases into the intron after coding-DNA position 377, G replaced by T.
Molecular consequence: intron variant.
Genome position (GRCh38, 1-based): chr2:166,306,863, C>A on the plus strand (G>T on the coding strand, the complement: SCN9A is on the minus strand). VCF-style: chr2-166306863-C-A. GRCh37 (hg19) VCF-style: chr2-167163373-C-A.
Other names: NC_000002.11:g.167163373C>A; c.377+93G>T (NM_002977.4).
Identifiers: ClinVar variation 3256834 (VCV003256834.3).
Genomic context (GRCh38, chr2:166,306,863, plus strand): 5'-GAGACCCATGACAAATTATATTAATAATACTGAAATTAATAAACTAAAACCAGAGTCTTT[C>A]AAGGTGCAAAAGGTATAACATCTATATTTGAATAAAATAGCAAAAATTACACCATAAAGT-3'